The following is an entry in ClinVar:

ClinVar aggregate classification (germline): Benign. Review status: criteria provided, multiple submitters, no conflicts (2 of 4 stars). 6 submissions from 6 submitters: Benign (6). Last evaluated 2026-08-01.

Allele frequency attached by ClinVar (database versions not stated): 1000 Genomes Project 30x 0.00828; 1000 Genomes Project 0.00839; TOPMed 0.01353; ESP Exome Variant Server 0.01384; gnomAD 0.02011 and 0.02124; gnomAD exomes 0.02129; ExAC 0.02198.
gnomAD v4.1: 32,973 of 1,583,514 alleles (2.1%); highest among the groups gnomAD compares: Non-Finnish European, 2.2%; 571 homozygotes.

Submissions 1 to 33 of 122:

CeGaT Center for Human Genetics Tuebingen
Classification: Benign. Last evaluated: 2026-08-01. Review status: criteria provided, single submitter. Criteria: CeGaT Center For Human Genetics Tuebingen Variant Classification Criteria Version 2. Collection method: clinical testing. Allele origin: germline. Affected: yes. Observed: 17 variant alleles.
Comment: CEP63: PP3, BS1, BS2

Labcorp Genetics (formerly Invitae), Labcorp
Classification: Benign. Last evaluated: 2026-01-29. Review status: criteria provided, single submitter. Criteria: Invitae Variant Classification Sherloc (09022015). Collection method: clinical testing. Allele origin: germline.

Blueprint Genetics
Classification: Benign. Last evaluated: 2024-11-26. Review status: criteria provided, single submitter. Criteria: ACMG Guidelines, 2015. Collection method: clinical testing. Allele origin: germline.

GeneDx
Classification: Benign. Last evaluated: 2021-05-04. Review status: criteria provided, single submitter. Criteria: GeneDx Variant Classification Process June 2021. Collection method: clinical testing. Allele origin: germline. Affected: yes.

Genetic Services Laboratory, University of Chicago
Classification: Benign for AllHighlyPenetrant. Last evaluated: 2013-05-07. Review status: criteria provided, single submitter. Criteria: ACMG Guidelines, 2007. Collection method: clinical testing. Allele origin: germline. Inheritance: Autosomal recessive inheritance.

Breakthrough Genomics
Classification: Benign. Review status: criteria provided, single submitter. Criteria: ACMG Guidelines, 2015. Collection method: not provided. Allele origin: germline. Inheritance: Autosomal recessive inheritance. Affected: yes.

Dr. Peter K. Rogan Lab, Western University
No classification provided (evidence only). Condition: Clear cell carcinoma of kidney. Review status: no classification provided. Collection method: in vitro. Allele origin: not applicable. Functional consequence: retained intron. Not counted in ClinVar's aggregate classification.

Dr. Peter K. Rogan Lab, Western University
No classification provided (evidence only). Condition: Clear cell carcinoma of kidney. Review status: no classification provided. Collection method: in vitro. Allele origin: not applicable. Functional consequence: retained intron. Not counted in ClinVar's aggregate classification.

Dr. Peter K. Rogan Lab, Western University
No classification provided (evidence only). Condition: Clear cell carcinoma of kidney. Review status: no classification provided. Collection method: in vitro. Allele origin: not applicable. Functional consequence: skipped exon, retained intron. Not counted in ClinVar's aggregate classification.

Dr. Peter K. Rogan Lab, Western University
No classification provided (evidence only). Condition: Clear cell carcinoma of kidney. Review status: no classification provided. Collection method: in vitro. Allele origin: not applicable. Functional consequence: retained intron. Not counted in ClinVar's aggregate classification.

Dr. Peter K. Rogan Lab, Western University
No classification provided (evidence only). Condition: Clear cell carcinoma of kidney. Review status: no classification provided. Collection method: in vitro. Allele origin: not applicable. Functional consequence: retained intron. Not counted in ClinVar's aggregate classification.

Dr. Peter K. Rogan Lab, Western University
No classification provided (evidence only). Condition: Clear cell carcinoma of kidney. Review status: no classification provided. Collection method: in vitro. Allele origin: not applicable. Functional consequence: retained intron. Not counted in ClinVar's aggregate classification.

Dr. Peter K. Rogan Lab, Western University
No classification provided (evidence only). Condition: Clear cell carcinoma of kidney. Review status: no classification provided. Collection method: in vitro. Allele origin: not applicable. Functional consequence: retained intron. Not counted in ClinVar's aggregate classification.

Dr. Peter K. Rogan Lab, Western University
No classification provided (evidence only). Condition: Clear cell carcinoma of kidney. Review status: no classification provided. Collection method: in vitro. Allele origin: not applicable. Functional consequence: retained intron. Not counted in ClinVar's aggregate classification.

Dr. Peter K. Rogan Lab, Western University
No classification provided (evidence only). Condition: Lung cancer. Review status: no classification provided. Collection method: in vitro. Allele origin: not applicable. Functional consequence: retained intron. Not counted in ClinVar's aggregate classification.

Dr. Peter K. Rogan Lab, Western University
No classification provided (evidence only). Condition: Lung cancer. Review status: no classification provided. Collection method: in vitro. Allele origin: not applicable. Functional consequence: skipped exon, retained intron. Not counted in ClinVar's aggregate classification.

Dr. Peter K. Rogan Lab, Western University
No classification provided (evidence only). Condition: Lung cancer. Review status: no classification provided. Collection method: in vitro. Allele origin: not applicable. Functional consequence: retained intron. Not counted in ClinVar's aggregate classification.

Dr. Peter K. Rogan Lab, Western University
No classification provided (evidence only). Condition: Lung cancer. Review status: no classification provided. Collection method: in vitro. Allele origin: not applicable. Functional consequence: retained intron. Not counted in ClinVar's aggregate classification.

Dr. Peter K. Rogan Lab, Western University
No classification provided (evidence only). Condition: Lung cancer. Review status: no classification provided. Collection method: in vitro. Allele origin: not applicable. Functional consequence: retained intron. Not counted in ClinVar's aggregate classification.

Dr. Peter K. Rogan Lab, Western University
No classification provided (evidence only). Condition: Lung cancer. Review status: no classification provided. Collection method: in vitro. Allele origin: not applicable. Functional consequence: retained intron. Not counted in ClinVar's aggregate classification.

Dr. Peter K. Rogan Lab, Western University
No classification provided (evidence only). Condition: Lung cancer. Review status: no classification provided. Collection method: in vitro. Allele origin: not applicable. Functional consequence: retained intron. Not counted in ClinVar's aggregate classification.

Dr. Peter K. Rogan Lab, Western University
No classification provided (evidence only). Condition: Lung cancer. Review status: no classification provided. Collection method: in vitro. Allele origin: not applicable. Functional consequence: retained intron. Not counted in ClinVar's aggregate classification.

Dr. Peter K. Rogan Lab, Western University
No classification provided (evidence only). Condition: Lung cancer. Review status: no classification provided. Collection method: in vitro. Allele origin: not applicable. Functional consequence: retained intron. Not counted in ClinVar's aggregate classification.

Dr. Peter K. Rogan Lab, Western University
No classification provided (evidence only). Condition: Familial cancer of breast. Review status: no classification provided. Collection method: in vitro. Allele origin: not applicable. Functional consequence: retained intron. Not counted in ClinVar's aggregate classification.

Dr. Peter K. Rogan Lab, Western University
No classification provided (evidence only). Condition: Acute myeloid leukemia. Review status: no classification provided. Collection method: in vitro. Allele origin: not applicable. Functional consequence: skipped exon, retained intron. Not counted in ClinVar's aggregate classification.

Dr. Peter K. Rogan Lab, Western University
No classification provided (evidence only). Condition: Acute myeloid leukemia. Review status: no classification provided. Collection method: in vitro. Allele origin: not applicable. Functional consequence: retained intron. Not counted in ClinVar's aggregate classification.

Dr. Peter K. Rogan Lab, Western University
No classification provided (evidence only). Condition: Colon adenocarcinoma. Review status: no classification provided. Collection method: in vitro. Allele origin: not applicable. Functional consequence: retained intron. Not counted in ClinVar's aggregate classification.

Dr. Peter K. Rogan Lab, Western University
No classification provided (evidence only). Condition: Colon adenocarcinoma. Review status: no classification provided. Collection method: in vitro. Allele origin: not applicable. Functional consequence: retained intron. Not counted in ClinVar's aggregate classification.

Dr. Peter K. Rogan Lab, Western University
No classification provided (evidence only). Condition: Colon adenocarcinoma. Review status: no classification provided. Collection method: in vitro. Allele origin: not applicable. Functional consequence: retained intron. Not counted in ClinVar's aggregate classification.

Dr. Peter K. Rogan Lab, Western University
No classification provided (evidence only). Condition: Colon adenocarcinoma. Review status: no classification provided. Collection method: in vitro. Allele origin: not applicable. Functional consequence: retained intron. Not counted in ClinVar's aggregate classification.

Dr. Peter K. Rogan Lab, Western University
No classification provided (evidence only). Condition: Colon adenocarcinoma. Review status: no classification provided. Collection method: in vitro. Allele origin: not applicable. Functional consequence: retained intron. Not counted in ClinVar's aggregate classification.

Dr. Peter K. Rogan Lab, Western University
No classification provided (evidence only). Condition: Colon adenocarcinoma. Review status: no classification provided. Collection method: in vitro. Allele origin: not applicable. Functional consequence: skipped exon, retained intron. Not counted in ClinVar's aggregate classification.

Dr. Peter K. Rogan Lab, Western University
No classification provided (evidence only). Condition: Colon adenocarcinoma. Review status: no classification provided. Collection method: in vitro. Allele origin: not applicable. Functional consequence: skipped exon, retained intron. Not counted in ClinVar's aggregate classification.

NM_001353108.3(CEP63):c.555G>C (p.Gln185His)

Gene: CEP63 (centrosomal protein 63; plus strand). Cytogenetic location: 3q22.2.
Variant type: single nucleotide variant.
Coding change: c.555G>C on transcript NM_001353108.3 (MANE Select); coding-DNA position 555, G replaced by C.
Protein change: p.Gln185His; replaces glutamine 185 with histidine.
Molecular consequence: missense variant. On other transcripts: non-coding transcript variant (4).
Genome position (GRCh38, 1-based): chr3:134,537,268, G>C. VCF-style: chr3-134537268-G-C. GRCh37 (hg19) VCF-style: chr3-134256110-G-C.
Other names: c.555G>C, p.Gln185His (NM_001042383.2, NM_001042384.2, NM_001042400.3 and 13 more transcripts); c.582G>C, p.Gln194His (NM_001353118.1); c.471G>C, p.Gln157His (NM_001353125.2); c.192G>C, p.Gln64His (NM_001353126.2); short protein forms Q185H, Q64H, Q157H, Q194H.
Identifiers: ClinVar variation 128709 (VCV000128709.24), dbSNP rs114108011, ClinGen allele CA152318.